The following is an entry in ClinVar:

NM_000540.3(RYR1):c.620G>T (p.Arg207Leu)

Gene: RYR1 (ryanodine receptor 1; plus strand). Cytogenetic location: 19q13.2.
Variant type: single nucleotide variant.
Coding change: c.620G>T on transcript NM_000540.3 (MANE Select); coding-DNA position 620, G replaced by T.
Protein change: p.Arg207Leu; replaces arginine 207 with leucine.
Molecular consequence: missense variant.
Genome position (GRCh38, 1-based): chr19:38,444,666, G>T. VCF-style: chr19-38444666-G-T. GRCh37 (hg19) VCF-style: chr19-38935306-G-T.
Other names: c.620G>T, p.Arg207Leu (NM_001042723.2); short protein forms R207L.
Identifiers: ClinVar variation 3387628 (VCV003387628.1).

ClinVar aggregate classification (germline): Uncertain significance (1 of 4 stars; one submission).

Conditions:
Malignant hyperthermia, susceptibility to, 1 (MHS1). Also called: Anesthesia related hyperthermia; Malignant hyperpyrexia; Fulminating hyperpyrexia; Pharmacogenic myopathy; RYR1-Related Malignant Hyperthermia Susceptibility; Malignant hyperthermia suceptibility 1. Identifiers: Orphanet 423, MedGen C2930980, MONDO:0007783, OMIM 145600.

gnomAD v4.1: 4 of 1,613,070 alleles (0.00025%); highest among the groups gnomAD compares: South Asian, 0.0033%; 1 homozygote.

Submission:

All of Us Research Program, National Institutes of Health
Classification: Uncertain significance for Malignant hyperthermia, susceptibility to, 1. Last evaluated: 2024-07-29. Review status: criteria provided, single submitter. Criteria: ACMG Guidelines, 2015. Collection method: clinical testing. Allele origin: germline. Inheritance: Autosomal dominant inheritance. Observed: 1 variant allele, 1 heterozygote.
Comment: This missense variant replaces arginine with leucine at codon 207 of the RYR1 protein. Computational prediction is inconclusive regarding the impact of this variant on protein structure and function (internally defined REVEL score threshold 0.5 < inconclusive < 0.7, PMID: 27666373). To our knowledge, functional studies have not been reported for this variant. This variant has not been reported in individuals affected with RYR1-related disorders in the literature. This variant has been identified in 1/249532 chromosomes in the general population by the Genome Aggregation Database (gnomAD). The available evidence is insufficient to determine the role of this variant in disease conclusively. Therefore, this variant is classified as a Variant of Uncertain Significance.

This study involves interpretation of variants in research participants for the purpose of population health screening. Participant phenotype was not available at the time of variant classification. Additional details can be found in publication PMID: 35346344, PMCID: PMC8962531